The following is an entry in ClinVar:

NM_001369369.1(FOXN1):c.927+4_927+5del

Gene: FOXN1 (forkhead box N1; plus strand). Cytogenetic location: 17q11.2.
Variant type: Deletion.
Coding change: c.927+4_927+5del on transcript NM_001369369.1 (MANE Select); bases 4 to 5 of the intron after coding-DNA position 927, 2 bases deleted (AG; older notation c.927+4_927+5delAG).
Molecular consequence: intron variant.
Genome position (GRCh38, 1-based): chr17:28,530,849-28,530,850, AG deleted; deleting any 2 consecutive bases within chr17:28,530,848-28,530,850 gives the same sequence; the c. name uses the placement nearest the transcript's 3' end. VCF-style (leftmost placement, unchanged base first): chr17-28530847-TGA-T. GRCh37 (hg19) VCF-style: chr17-26857865-TGA-T.
Other names: c.927+4_927+5del (NM_003593.3).
Identifiers: ClinVar variation 4712710 (VCV004712710.1).

ClinVar aggregate classification (germline): Uncertain significance (1 of 4 stars; one submission).

Conditions:
T-cell immunodeficiency, congenital alopecia, and nail dystrophy. Also called: Congenital alopecia and nail dystrophy associated with severe functional T-cell immunodeficiency; Pignata Guarino syndrome. Identifiers: Orphanet 169095, MedGen C1866426, MONDO:0011132, OMIM 601705.

Submission:

Labcorp Genetics (formerly Invitae), Labcorp
Classification: Uncertain significance for T-cell immunodeficiency, congenital alopecia, and nail dystrophy. Last evaluated: 2025-02-09. Review status: criteria provided, single submitter. Criteria: Invitae Variant Classification Sherloc (09022015). Collection method: clinical testing. Allele origin: germline.
Comment: This sequence change falls in intron 5 of the FOXN1 gene. It does not directly change the encoded amino acid sequence of the FOXN1 protein. It affects a nucleotide within the consensus splice site. This variant is not present in population databases (gnomAD no frequency). This variant has not been reported in the literature in individuals affected with FOXN1-related conditions. Variants that disrupt the consensus splice site are a relatively common cause of aberrant splicing (PMID: 17576681, 9536098). Algorithms developed to predict the effect of sequence changes on RNA splicing suggest that this variant may disrupt the consensus splice site. In summary, the available evidence is currently insufficient to determine the role of this variant in disease. Therefore, it has been classified as a Variant of Uncertain Significance.

Literature cited by the submitters: PubMed 17576681; PubMed 9536098.